The following is an entry in ClinVar:

ClinVar aggregate classification (germline): Benign/Likely benign. Review status: criteria provided, multiple submitters, no conflicts (2 of 4 stars). 3 submissions from 3 submitters: Benign (1); Likely benign (1). 1 of the submissions does not count toward it. Last evaluated 2025-12-15.

Conditions:
COL27A1-related disorder. Also called: COL27A1-related condition.

Allele frequency attached by ClinVar (database versions not stated): gnomAD 0.00033 and 0.00046; gnomAD exomes 0.00037 and 0.00124; TOPMed 0.00059; ExAC 0.00118; 1000 Genomes Project 30x 0.00250; 1000 Genomes Project 0.00280.
gnomAD v4.1: 645 of 1,614,062 alleles (0.04%); highest among the groups gnomAD compares: East Asian, 1.3%; 4 homozygotes.

Submissions (3):

Labcorp Genetics (formerly Invitae), Labcorp
Classification: Benign. Last evaluated: 2025-12-15. Review status: criteria provided, single submitter. Criteria: Invitae Variant Classification Sherloc (09022015). Collection method: clinical testing. Allele origin: germline.

Blueprint Genetics
Classification: Likely benign. Last evaluated: 2024-10-21. Review status: criteria provided, single submitter. Criteria: ACMG Guidelines, 2015. Collection method: clinical testing. Allele origin: germline.

PreventionGenetics, part of Exact Sciences
Classification: Benign for COL27A1-related condition. Last evaluated: 2019-10-01. Review status: no assertion criteria provided. Collection method: clinical testing. Allele origin: germline. Not counted in ClinVar's aggregate classification.
Comment: This variant is classified as benign based on ACMG/AMP sequence variant interpretation guidelines (Richards et al. 2015 PMID: 25741868, with internal and published modifications).

NM_032888.4(COL27A1):c.1163C>T (p.Thr388Ile)

Gene: COL27A1 (collagen type XXVII alpha 1 chain; plus strand). Cytogenetic location: 9q32.
Variant type: single nucleotide variant.
Coding change: c.1163C>T on transcript NM_032888.4 (MANE Select); coding-DNA position 1163, C replaced by T.
Protein change: p.Thr388Ile; replaces threonine 388 with isoleucine.
Molecular consequence: missense variant.
Genome position (GRCh38, 1-based): chr9:114,168,718, C>T. VCF-style: chr9-114168718-C-T. GRCh37 (hg19) VCF-style: chr9-116930998-C-T.
Other names: short protein forms T388I.
Identifiers: ClinVar variation 715016 (VCV000715016.14), dbSNP rs150803564, ClinGen allele CA5201321.